The following is an entry in ClinVar:

NM_000388.4(CASR):c.2939A>G (p.Asp980Gly)

Gene: CASR (calcium sensing receptor; plus strand). Cytogenetic location: 3q21.1.
Variant type: single nucleotide variant.
Coding change: c.2939A>G on transcript NM_000388.4 (MANE Select); coding-DNA position 2939, A replaced by G.
Protein change: p.Asp980Gly; replaces aspartic acid 980 with glycine.
Molecular consequence: missense variant.
Genome position (GRCh38, 1-based): chr3:122,284,893, A>G. VCF-style: chr3-122284893-A-G. GRCh37 (hg19) VCF-style: chr3-122003740-A-G.
Other names: c.2969A>G, p.Asp990Gly (NM_001178065.2); short protein forms D990G, D980G.
Identifiers: ClinVar variation 1797882 (VCV001797882.2), dbSNP rs2473282747, ClinGen allele CA354161102.
Genomic context (GRCh38, chr3:122,284,893, plus strand): 5'-CCAGATGCAAGCAGAAGGTCATCTTTGGCAGCGGCACGGTCACCTTCTCACTGAGCTTTG[A>G]TGAGCCTCAGAAGAACGCCATGGCCCACAGGAATTCTACGCACCAGAACTCCCTGGAGGC-3'
Protein context (NP_000379.3, residues 970-990): SGTVTFSLSF[Asp980Gly]EPQKNAMAHR

ClinVar aggregate classification (germline): Uncertain significance (1 of 4 stars; one submission).

Conditions:
Nephrolithiasis/nephrocalcinosis. Identifiers: MedGen CN580796.

Submission:

Ambry Genetics
Classification: Uncertain significance for Nephrolithiasis/nephrocalcinosis. Last evaluated: 2021-12-29. Review status: criteria provided, single submitter. Criteria: Ambry Variant Classification Scheme 2023. Collection method: clinical testing. Allele origin: germline.
Comment: The p.D980G variant (also known as c.2939A>G), located in coding exon 6 of the CASR gene, results from an A to G substitution at nucleotide position 2939. The aspartic acid at codon 980 is replaced by glycine, an amino acid with similar properties. This amino acid position is conserved. In addition, the in silico prediction for this alteration is inconclusive. Since supporting evidence is limited at this time, the clinical significance of this alteration remains unclear.